The following is an entry in ClinVar:

NM_020919.4(ALS2):c.3900_3902del (p.Cys1300del)

Gene: ALS2 (alsin Rho guanine nucleotide exchange factor ALS2; minus strand). Cytogenetic location: 2q33.1.
Variant type: Deletion.
Coding change: c.3900_3902del on transcript NM_020919.4 (MANE Select); coding-DNA positions 3900 to 3902, 3 bases deleted (TTG; older notation c.3900_3902delTTG).
Protein change: p.Cys1300del; deletes cysteine 1300.
Molecular consequence: inframe deletion. On other transcripts: inframe indel (1).
Genome position (GRCh38, 1-based): chr2:201,715,774-201,715,776, CAA deleted on the plus strand (TTG on the coding strand, the reverse complement: ALS2 is on the minus strand); deleting any 3 consecutive bases within chr2:201,715,774-201,715,778 gives the same sequence; the c. name uses the placement nearest the transcript's 3' end. VCF-style (leftmost placement, unchanged base first): chr2-201715773-CCAA-C. GRCh37 (hg19) VCF-style: chr2-202580496-CCAA-C.
Other names: c.3895_3897delTGT, p.Cys1299del (NM_001410975.1); short protein forms C1299del, C1300del.
Identifiers: ClinVar variation 1999719 (VCV001999719.4), dbSNP rs1690345670, ClinGen allele CA1321166171.

ClinVar aggregate classification (germline): Uncertain significance (1 of 4 stars; one submission).

Conditions:
Infantile-onset ascending hereditary spastic paralysis (IAHSP). Also called: Autosomal Recessive Juvenile Amyotrophic Lateral Sclerosis; Infantile-Onset Ascending Hereditary Spastic Paralysis (IAHSP). Identifiers: Orphanet 293168, MedGen C2931441, MONDO:0011797, OMIM 607225. Disease mechanism: loss of function.

Submission:

Labcorp Genetics (formerly Invitae), Labcorp
Classification: Uncertain significance for Infantile-onset ascending hereditary spastic paralysis. Last evaluated: 2022-05-27. Review status: criteria provided, single submitter. Criteria: Invitae Variant Classification Sherloc (09022015). Collection method: clinical testing. Allele origin: germline.
Comment: This variant is not present in population databases (gnomAD no frequency). This variant, c.3900_3902del, results in the deletion of 1 amino acid(s) of the ALS2 protein (p.Cys1300del), but otherwise preserves the integrity of the reading frame. This variant has not been reported in the literature in individuals affected with ALS2-related conditions. Experimental studies and prediction algorithms are not available or were not evaluated, and the functional significance of this variant is currently unknown. In summary, the available evidence is currently insufficient to determine the role of this variant in disease. Therefore, it has been classified as a Variant of Uncertain Significance.